The following is an entry in ClinVar:

ClinVar aggregate classification (germline): Benign. Review status: criteria provided, multiple submitters, no conflicts (2 of 4 stars). 3 submissions from 3 submitters: Benign (3). Last evaluated 2021-05-19.

Conditions:
Hyperekplexia 2 (HKPX2). Identifiers: Orphanet 3197, MedGen C3553291, MONDO:0013828, OMIM 614619.

Allele frequency attached by ClinVar (database versions not stated): ESP Exome Variant Server 0.00015; gnomAD exomes 0.00159 and 0.00732; gnomAD 0.00321 and 0.00325; 1000 Genomes Project 0.00499; 1000 Genomes Project 30x 0.00531; ExAC 0.00576; TOPMed 0.00576.
gnomAD v4.1: 2,756 of 1,586,626 alleles (0.17%); highest among the groups gnomAD compares: Admixed American, 4.4%; 79 homozygotes.

Submissions (3):

GeneDx
Classification: Benign. Last evaluated: 2021-05-19. Review status: criteria provided, single submitter. Criteria: GeneDx Variant Classification Process June 2021. Collection method: clinical testing. Allele origin: germline. Affected: yes.

Illumina Laboratory Services, Illumina
Classification: Benign for Hyperekplexia 2. Last evaluated: 2018-01-13. Review status: criteria provided, single submitter. Criteria: ICSL Variant Classification Criteria 13 December 2019. Collection method: clinical testing. Allele origin: germline.
Comment: This variant was observed in the ICSL laboratory as part of a predisposition screen in an ostensibly healthy population. It had not been previously curated by ICSL or reported in the Human Gene Mutation Database (HGMD: prior to June 1st, 2018), and was therefore a candidate for classification through an automated scoring system. Utilizing variant allele frequency, disease prevalence and penetrance estimates, and inheritance mode, an automated score was calculated to assess if this variant is too frequent to cause the disease. Based on the score and internal cut-off values, a variant classified as benign is not then subjected to further curation. The score for this variant resulted in a classification of benign for this disease.

Breakthrough Genomics
Classification: Benign. Review status: criteria provided, single submitter. Criteria: ACMG Guidelines, 2015. Collection method: not provided. Allele origin: germline. Inheritance: Autosomal recessive inheritance. Affected: yes.

NM_000824.5(GLRB):c.-26G>T

Gene: GLRB (glycine receptor beta; plus strand). Cytogenetic location: 4q32.1.
Variant type: single nucleotide variant.
Coding change: c.-26G>T on transcript NM_000824.5 (MANE Select); 26 bases upstream of the start codon, G replaced by T.
Molecular consequence: 5 prime UTR variant.
Genome position (GRCh38, 1-based): chr4:157,077,999, G>T. VCF-style: chr4-157077999-G-T. GRCh37 (hg19) VCF-style: chr4-157999151-G-T.
Other names: c.-26G>T (NM_001166060.2, NM_001166061.2).
Identifiers: ClinVar variation 347913 (VCV000347913.7), dbSNP rs184188234, ClinGen allele CA3119630.